The following is an entry in ClinVar:

NM_173076.3(ABCA12):c.2209G>A (p.Glu737Lys)

Gene: ABCA12 (ATP binding cassette subfamily A member 12; minus strand). Cytogenetic location: 2q35.
Variant type: single nucleotide variant.
Coding change: c.2209G>A on transcript NM_173076.3 (MANE Select); coding-DNA position 2209, G replaced by A.
Protein change: p.Glu737Lys; replaces glutamic acid 737 with lysine.
Molecular consequence: missense variant. On other transcripts: non-coding transcript variant (1).
Genome position (GRCh38, 1-based): chr2:215,011,562, C>T on the plus strand (G>A on the coding strand, the complement: ABCA12 is on the minus strand). VCF-style: chr2-215011562-C-T. GRCh37 (hg19) VCF-style: chr2-215876286-C-T.
Other names: c.1255G>A, p.Glu419Lys (NM_015657.4); short protein forms E419K, E737K.
Identifiers: ClinVar variation 713057 (VCV000713057.9), dbSNP rs145499495, ClinGen allele CA2092009.

ClinVar aggregate classification (germline): Conflicting classifications of pathogenicity. Review status: criteria provided, conflicting classifications (1 of 4 stars). 3 submissions from 3 submitters: Uncertain significance (1); Likely benign (1). 1 of the submissions does not count toward it. Last evaluated 2026-01-28.

Conditions:
ABCA12-related disorder. Also called: ABCA12-related condition.

Allele frequency attached by ClinVar (database versions not stated): gnomAD exomes 0.00007 and 0.00028; ExAC 0.00035; ESP Exome Variant Server 0.00092; gnomAD 0.00099 and 0.00103; TOPMed 0.00105; 1000 Genomes Project 30x 0.00109; 1000 Genomes Project 0.00120.
gnomAD v4.1: 267 of 1,614,056 alleles (0.017%); highest among the groups gnomAD compares: African/African-American, 0.28%; no homozygotes.

Submissions (3):

Labcorp Genetics (formerly Invitae), Labcorp
Classification: Likely benign. Last evaluated: 2026-01-28. Review status: criteria provided, single submitter. Criteria: Invitae Variant Classification Sherloc (09022015). Collection method: clinical testing. Allele origin: germline.

Blueprint Genetics
Classification: Uncertain significance. Last evaluated: 2024-09-02. Review status: criteria provided, single submitter. Criteria: ACMG Guidelines, 2015. Collection method: clinical testing. Allele origin: germline.

PreventionGenetics, part of Exact Sciences
Classification: Likely benign for ABCA12-related condition. Last evaluated: 2022-08-21. Review status: no assertion criteria provided. Collection method: clinical testing. Allele origin: germline. Not counted in ClinVar's aggregate classification.
Comment: This variant is classified as likely benign based on ACMG/AMP sequence variant interpretation guidelines (Richards et al. 2015 PMID: 25741868, with internal and published modifications).